The following is an entry in ClinVar:

ClinVar aggregate classification (germline): Uncertain significance (1 of 4 stars; one submission).

Conditions:
Symmetrical dyschromatosis of extremities (DSH). Also called: DYSCHROMATOSIS SYMMETRICA HEREDITARIA 1; RETICULATE ACROPIGMENTATION OF DOHI; SYMMETRIC DYSCHROMATOSIS OF THE EXTREMITIES; Dyschromatosis symmetrica hereditaria. Identifiers: Orphanet 41, MedGen C0406775, MONDO:0007483, OMIM 127400.
Aicardi-Goutieres syndrome 6 (AGS6). Identifiers: Orphanet 51, MedGen C3539013, MONDO:0014007, OMIM 615010.

gnomAD v4.1: 1 of 1,614,174 alleles (0.000062%); highest among the groups gnomAD compares: Admixed American, 0.0017%; no homozygotes.

Submission:

Labcorp Genetics (formerly Invitae), Labcorp
Classification: Uncertain significance for Aicardi-Goutieres syndrome 6; Symmetrical dyschromatosis of extremities. Last evaluated: 2025-03-07. Review status: criteria provided, single submitter. Criteria: Invitae Variant Classification Sherloc (09022015). Collection method: clinical testing. Allele origin: germline.
Comment: This sequence change replaces alanine, which is neutral and non-polar, with serine, which is neutral and polar, at codon 1131 of the ADAR protein (p.Ala1131Ser). This variant is present in population databases (rs748776146, gnomAD 0.003%). This variant has not been reported in the literature in individuals affected with ADAR-related conditions. Invitae Evidence Modeling of protein sequence and biophysical properties (such as structural, functional, and spatial information, amino acid conservation, physicochemical variation, residue mobility, and thermodynamic stability) indicates that this missense variant is not expected to disrupt ADAR protein function with a negative predictive value of 80%. In summary, the available evidence is currently insufficient to determine the role of this variant in disease. Therefore, it has been classified as a Variant of Uncertain Significance.

NM_001111.5(ADAR):c.3391G>T (p.Ala1131Ser)

Gene: ADAR (adenosine deaminase RNA specific; minus strand). Cytogenetic location: 1q21.3.
Variant type: single nucleotide variant.
Coding change: c.3391G>T on transcript NM_001111.5 (MANE Select); coding-DNA position 3391, G replaced by T.
Protein change: p.Ala1131Ser; replaces alanine 1131 with serine.
Molecular consequence: missense variant.
Genome position (GRCh38, 1-based): chr1:154,585,269, C>A on the plus strand (G>T on the coding strand, the complement: ADAR is on the minus strand). VCF-style: chr1-154585269-C-A. GRCh37 (hg19) VCF-style: chr1-154557745-C-A.
Other names: c.2506G>T, p.Ala836Ser (NM_001025107.3, NM_001193495.2, NM_001365046.1 and 2 more transcripts); c.3418G>T, p.Ala1140Ser (NM_001365045.1); c.2428G>T, p.Ala810Ser (NM_001365049.1); c.3313G>T, p.Ala1105Ser (NM_015840.4); c.3256G>T, p.Ala1086Ser (NM_015841.4); short protein forms A810S, A1105S, A836S, A1131S, A1140S, A1086S.
Identifiers: ClinVar variation 4792733 (VCV004792733.1).